The following is an entry in ClinVar:

NM_000642.3(AGL):c.847-7T>A

Gene: AGL (amylo-alpha-1,6-glucosidase and 4-alpha-glucanotransferase; plus strand). Cytogenetic location: 1p21.2.
Variant type: single nucleotide variant.
Coding change: c.847-7T>A on transcript NM_000642.3 (MANE Select); 7 bases into the intron before coding-DNA position 847, T replaced by A.
Molecular consequence: intron variant.
Genome position (GRCh38, 1-based): chr1:99,870,751, T>A. VCF-style: chr1-99870751-T-A. GRCh37 (hg19) VCF-style: chr1-100336307-T-A.
Other names: c.847-7T>A (NM_000643.3, NM_000644.3, NM_001425326.1 and 3 more transcripts); c.799-7T>A (NM_000646.3); c.643-7T>A (NM_001425328.1, NM_001425329.1); c.469-7T>A (NM_001425332.1).
Identifiers: ClinVar variation 291327 (VCV000291327.16), dbSNP rs750785301, ClinGen allele CA966297.

ClinVar aggregate classification (germline): Uncertain significance. Review status: criteria provided, multiple submitters, no conflicts (2 of 4 stars). 8 submissions from 8 submitters: Uncertain significance (5). 3 of the submissions do not count toward it. Last evaluated 2026-03-03.

Conditions:
Glycogen storage disease type III (GSD3). Also called: FORBES DISEASE; Cori disease. Identifiers: Orphanet 366, MedGen C0017922, MONDO:0009291, OMIM 232400.
AGL-related disorder. Also called: AGL-related condition.

Allele frequency attached by ClinVar (database versions not stated): gnomAD 0.00001 and 0.00006; ExAC 0.00002; gnomAD exomes 0.00002 and 0.00004; TOPMed 0.00012.

Submissions (8):

GeneDx
Classification: Uncertain significance. Last evaluated: 2026-03-03. Review status: criteria provided, single submitter. Criteria: GeneDx Variant Classification Process June 2021. Collection method: clinical testing. Allele origin: germline.
Comment: Not observed at significant frequency in large population cohorts (gnomAD); Has not been previously published as pathogenic or benign to our knowledge; In silico analysis is inconclusive as to whether the variant alters gene splicing. In the absence of RNA/functional studies, the actual effect of this sequence change is unknown

Blueprint Genetics
Classification: Uncertain significance. Last evaluated: 2023-01-20. Review status: criteria provided, single submitter. Criteria: ACMG Guidelines, 2015. Collection method: clinical testing. Allele origin: germline.

Labcorp Genetics (formerly Invitae), Labcorp
Classification: Uncertain significance for Glycogen storage disease type III. Last evaluated: 2022-06-27. Review status: criteria provided, single submitter. Criteria: Invitae Variant Classification Sherloc (09022015). Collection method: clinical testing. Allele origin: germline.
Comment: This sequence change falls in intron 6 of the AGL gene. It does not directly change the encoded amino acid sequence of the AGL protein. This variant is present in population databases (rs750785301, gnomAD 0.007%). This variant has not been reported in the literature in individuals affected with AGL-related conditions. ClinVar contains an entry for this variant (Variation ID: 291327). Algorithms developed to predict the effect of sequence changes on RNA splicing suggest that this variant may disrupt the consensus splice site. In summary, the available evidence is currently insufficient to determine the role of this variant in disease. Therefore, it has been classified as a Variant of Uncertain Significance.

Genome-Nilou Lab
Classification: Uncertain significance for Glycogen storage disease type III. Last evaluated: 2021-07-15. Review status: criteria provided, single submitter. Criteria: ACMG Guidelines, 2015. Collection method: clinical testing. Allele origin: germline. Affected: no.

Illumina Laboratory Services, Illumina
Classification: Uncertain significance for Glycogen storage disease type III. Last evaluated: 2018-01-12. Review status: criteria provided, single submitter. Criteria: ICSL Variant Classification Criteria 13 December 2019. Collection method: clinical testing. Allele origin: germline.

PreventionGenetics, part of Exact Sciences
Classification: Likely benign for AGL-related condition. Last evaluated: 2024-02-12. Review status: no assertion criteria provided. Collection method: clinical testing. Allele origin: germline. Not counted in ClinVar's aggregate classification.
Comment: This variant is classified as likely benign based on ACMG/AMP sequence variant interpretation guidelines (Richards et al. 2015 PMID: 25741868, with internal and published modifications).

Natera, Inc.
Classification: Uncertain significance for Glycogen storage disease type III. Last evaluated: 2020-01-17. Review status: no assertion criteria provided. Collection method: clinical testing. Allele origin: germline. Not counted in ClinVar's aggregate classification.

Counsyl
Classification: Uncertain significance for Glycogen storage disease type III. Last evaluated: 2017-06-02. Review status: no assertion criteria provided. Collection method: clinical testing. Allele origin: unknown. Not counted in ClinVar's aggregate classification.